The following is an entry in ClinVar:

NM_017654.4(SAMD9):c.428T>C (p.Ile143Thr)

Gene: SAMD9 (sterile alpha motif domain containing 9; minus strand). Cytogenetic location: 7q21.2.
Variant type: single nucleotide variant.
Coding change: c.428T>C on transcript NM_017654.4 (MANE Select); coding-DNA position 428, T replaced by C.
Protein change: p.Ile143Thr; replaces isoleucine 143 with threonine.
Molecular consequence: missense variant.
Genome position (GRCh38, 1-based): chr7:93,105,670, A>G on the plus strand (T>C on the coding strand, the complement: SAMD9 is on the minus strand). VCF-style: chr7-93105670-A-G. GRCh37 (hg19) VCF-style: chr7-92734983-A-G.
Other names: p.Ile143Thr; c.428T>C, p.Ile143Thr (NM_001193307.2); short protein forms I143T.
Identifiers: ClinVar variation 1169094 (VCV001169094.26), dbSNP rs6969691, ClinGen allele CA4343148.

ClinVar aggregate classification (germline): Benign/Likely benign. Review status: criteria provided, multiple submitters, no conflicts (2 of 4 stars). 7 submissions from 7 submitters: Benign (6); Likely benign (1). Last evaluated 2026-02-04.

Allele frequency attached by ClinVar (database versions not stated): gnomAD exomes 0.11659 and 0.11786; ExAC 0.11938; 1000 Genomes Project 0.15256; 1000 Genomes Project 30x 0.15522; gnomAD 0.15965 and 0.16513; TOPMed 0.17329; ESP Exome Variant Server 0.17676.
gnomAD v4.1: 197,591 of 1,613,916 alleles (12%); highest among the groups gnomAD compares: African/African-American, 28%; 13,780 homozygotes.

Submissions (7):

Labcorp Genetics (formerly Invitae), Labcorp
Classification: Benign. Last evaluated: 2026-02-04. Review status: criteria provided, single submitter. Criteria: Invitae Variant Classification Sherloc (09022015). Collection method: clinical testing. Allele origin: germline.

Mayo Clinic Laboratories, Mayo Clinic
Classification: Benign. Last evaluated: 2025-09-15. Review status: criteria provided, single submitter. Criteria: ACMG Guidelines, 2015. Collection method: clinical testing. Allele origin: germline. Observed: 20 variant alleles.
Comment: BA1, BP4_strong

ARUP Laboratories, Molecular Genetics and Genomics, ARUP Laboratories
Classification: Benign. Last evaluated: 2025-07-30. Review status: criteria provided, single submitter. Criteria: ARUP Molecular Germline Variant Investigation Process 2024. Collection method: clinical testing. Allele origin: germline.

Blueprint Genetics
Classification: Likely benign. Last evaluated: 2024-11-27. Review status: criteria provided, single submitter. Criteria: ACMG Guidelines, 2015. Collection method: clinical testing. Allele origin: germline.

Unidad de Genómica Garrahan, Hospital de Pediatría Garrahan
Classification: Benign. Last evaluated: 2024-01-24. Review status: criteria provided, single submitter. Criteria: ACMG Guidelines, 2015. Collection method: clinical testing. Allele origin: germline. Affected: no. Observed: 25 variant alleles.
Comment: This variant is classified as Benign based on local population frequency. This variant was detected in 26% of patients studied by a panel of primary immunodeficiencies. Number of patients: 25. Only high quality variants are reported.

GeneDx
Classification: Benign. Last evaluated: 2019-06-15. Review status: criteria provided, single submitter. Criteria: GeneDx Variant Classification Process June 2021. Collection method: clinical testing. Allele origin: germline. Affected: yes.

Breakthrough Genomics
Classification: Benign. Review status: criteria provided, single submitter. Criteria: ACMG Guidelines, 2015. Collection method: not provided. Allele origin: germline. Inheritance: Autosomal recessive inheritance. Affected: yes.